The following is an entry in ClinVar:

ClinVar aggregate classification (germline): Uncertain significance (1 of 4 stars; one submission).

Submission:

Labcorp Genetics (formerly Invitae), Labcorp
Classification: Uncertain significance. Last evaluated: 2023-02-27. Review status: criteria provided, single submitter. Criteria: Invitae Variant Classification Sherloc (09022015). Collection method: clinical testing. Allele origin: unknown.
Comment: A gross deletion of the genomic region encompassing the full coding sequence of the KDM1A gene has been identified. The current clinical and genetic evidence is not sufficient to establish whether loss-of-function variants in KDM1A cause disease. The boundaries of this event are unknown as they extend beyond the assayed region for this gene and therefore may encompass additional genes. This variant has not been reported in the literature in individuals affected with KDM1A-related conditions. In summary, the available evidence is currently insufficient to determine the role of this variant in disease. Therefore, it has been classified as a Variant of Uncertain Significance.

NC_000001.10:g.(?_23346090)_(23409857_?)del

Gene: KDM1A (lysine demethylase 1A; plus strand). Cytogenetic location: 1p36.12.
Variant type: Deletion.
Identifiers: ClinVar variation 3247904 (VCV003247904.1).